The following is an entry in ClinVar:

ClinVar aggregate classification (germline): Uncertain significance (1 of 4 stars; one submission).

Conditions:
Inborn genetic diseases. Identifiers: MedGen C0950123, MeSH D030342.

gnomAD v4.1: 13 of 1,612,974 alleles (0.00081%); highest among the groups gnomAD compares: Non-Finnish European, 0.001%; no homozygotes.

Submission:

Ambry Genetics
Classification: Uncertain significance for Inborn genetic diseases. Last evaluated: 2025-02-19. Review status: criteria provided, single submitter. Criteria: Ambry Variant Classification Scheme 2023. Collection method: clinical testing. Allele origin: germline.
Comment: The p.A876T variant (also known as c.2626G>A), located in coding exon 11 of the MECOM gene, results from a G to A substitution at nucleotide position 2626. The alanine at codon 876 is replaced by threonine, an amino acid with similar properties. This amino acid position is conserved. In addition, this alteration is predicted to be tolerated by in silico analysis. Based on the available evidence, the clinical significance of this variant remains unclear.

NM_004991.4(MECOM):c.2626G>A (p.Ala876Thr)

Gene: MECOM (MDS1 and EVI1 complex locus; minus strand). Cytogenetic location: 3q26.2.
Variant type: single nucleotide variant.
Coding change: c.2626G>A on transcript NM_004991.4 (MANE Select); coding-DNA position 2626, G replaced by A.
Protein change: p.Ala876Thr; replaces alanine 876 with threonine.
Molecular consequence: missense variant.
Genome position (GRCh38, 1-based): chr3:169,102,205, C>T on the plus strand (G>A on the coding strand, the complement: MECOM is on the minus strand). VCF-style: chr3-169102205-C-T. GRCh37 (hg19) VCF-style: chr3-168819993-C-T.
Other names: c.2257G>A, p.Ala753Thr (NM_001105077.4); c.2062G>A, p.Ala688Thr (NM_001105078.4, NM_001205194.2, NM_001366469.2 and 1 more transcripts); c.2038G>A, p.Ala680Thr (NM_001163999.2, NM_001366470.2); c.2035G>A, p.Ala679Thr (NM_001164000.2, NM_001366471.2, NM_001366472.2); c.2599G>A, p.Ala867Thr (NM_001366466.2); c.2065G>A, p.Ala689Thr (NM_001366467.2, NM_001366468.2); c.1627G>A, p.Ala543Thr (NM_001366473.2); c.1063G>A, p.Ala355Thr (NM_001366474.2); short protein forms A543T, A679T, A867T, A876T, A355T, A689T, A680T, A688T.
Identifiers: ClinVar variation 3871842 (VCV003871842.1).